The following is an entry in ClinVar:

ClinVar aggregate classification (germline): Uncertain significance. Review status: criteria provided, multiple submitters, no conflicts (2 of 4 stars). 8 submissions from 8 submitters: Uncertain significance (7). 1 of the submissions does not count toward it. Last evaluated 2026-01-06.

Conditions:
Hereditary cancer-predisposing syndrome. Also called: Tumor predisposition; Hereditary Cancer Syndrome; Hereditary neoplastic syndrome; Neoplastic Syndromes, Hereditary. Identifiers: Orphanet 140162, MedGen C0027672, MeSH D009386, MONDO:0015356.
Familial cancer of breast. Also called: BREAST CANCER, FAMILIAL; hereditary breast carcinoma; Hereditary breast cancer. Identifiers: Orphanet 227535, MedGen C0346153, MONDO:0016419, OMIM 114480. Disease mechanism: loss of function.
Ataxia-telangiectasia syndrome (AT). Also called: LOUIS-BAR SYNDROME; Cerebello-oculocutaneous telangiectasia; Immunodeficiency with ataxia telangiectasia; ATAXIA-TELANGIECTASIA, COMPLEMENTATION GROUP A; ATAXIA-TELANGIECTASIA, FRESNO VARIANT; Ataxia-telangiectasia. Identifiers: Orphanet 100, MedGen C0004135, MONDO:0008840, OMIM 208900.

Allele frequency attached by ClinVar (database versions not stated): gnomAD 0.00001; TOPMed 0.00001.
gnomAD v4.1: 3 of 1,613,920 alleles (0.00019%); highest among the groups gnomAD compares: East Asian, 0.0067%; no homozygotes.

Submissions (8):

Labcorp Genetics (formerly Invitae), Labcorp
Classification: Uncertain significance for Ataxia-telangiectasia syndrome. Last evaluated: 2026-01-06. Review status: criteria provided, single submitter. Criteria: Invitae Variant Classification Sherloc (09022015). Collection method: clinical testing. Allele origin: germline.
Comment: This sequence change replaces cysteine, which is neutral and slightly polar, with phenylalanine, which is neutral and non-polar, at codon 907 of the ATM protein (p.Cys907Phe). This variant is present in population databases (rs775371838, gnomAD 0.04%). This variant has not been reported in the literature in individuals affected with ATM-related conditions. ClinVar contains an entry for this variant (Variation ID: 185390). Invitae Evidence Modeling of protein sequence and biophysical properties (such as structural, functional, and spatial information, amino acid conservation, physicochemical variation, residue mobility, and thermodynamic stability) indicates that this missense variant is not expected to disrupt ATM protein function with a negative predictive value of 95%. In summary, the available evidence is currently insufficient to determine the role of this variant in disease. Therefore, it has been classified as a Variant of Uncertain Significance.

Center for Genomic Medicine, Rigshospitalet, Copenhagen University Hospital
Classification: Uncertain significance. Last evaluated: 2025-12-29. Review status: criteria provided, single submitter. Criteria: ACMG Guidelines, 2015. Collection method: clinical testing. Allele origin: germline.
Comment: Classification criteria: PM2_supporting

Ambry Genetics
Classification: Uncertain significance for Hereditary cancer-predisposing syndrome. Last evaluated: 2025-04-02. Review status: criteria provided, single submitter. Criteria: Ambry Variant Classification Scheme 2023. Collection method: clinical testing. Allele origin: germline.
Comment: The p.C907F variant (also known as c.2720G>T), located in coding exon 17 of the ATM gene, results from a G to T substitution at nucleotide position 2720. The cysteine at codon 907 is replaced by phenylalanine, an amino acid with highly dissimilar properties. This variant was reported in 5/60,466 breast cancer cases and in 1/53,461 controls (Dorling et al. N Engl J Med 2021 02;384:428-439). This amino acid position is well conserved in available vertebrate species. In addition, the in silico prediction for this alteration is inconclusive. Based on the available evidence, the clinical significance of this variant remains unclear.

Women's Health and Genetics/Laboratory Corporation of America, LabCorp
Classification: Uncertain significance. Last evaluated: 2023-11-22. Review status: criteria provided, single submitter. Criteria: LabCorp Variant Classification Summary - May 2015. Collection method: clinical testing. Allele origin: germline.
Comment: Variant summary: ATM c.2720G>T (p.Cys907Phe) results in a non-conservative amino acid change in the encoded protein sequence. Four of five in-silico tools predict a damaging effect of the variant on protein function. The variant allele was found at a frequency of 2.5e-05 in 277154 control chromosomes (gnomAD). The available data on variant occurrences in the general population are insufficient to allow any conclusion about variant significance. In a large study evaluating breast cancer cases and controls in the Breast Cancer Association Consortium (BCAC), the variant was reported in 5/60466 cases, but was also found in 1/53461 controls (Dorling_2021 through LOVD). These report(s) do not provide unequivocal conclusions about association of the variant with Breast Cancer. To our knowledge, no experimental evidence demonstrating its impact on protein function have been reported. Co-occurrences with other pathogenic variant(s) have been reported (MSH6 c.3261delC, p.Phe1088fsX2), providing supporting evidence for a benign role. The following publications have been ascertained in the context of this evaluation (PMID: 33471991). Six ClinVar submissions from clinical diagnostic laboratories (evaluation after 2014) cite the variant as uncertain significance. Based on the evidence outlined above, the variant was classified as uncertain significance.

GeneDx
Classification: Uncertain significance. Last evaluated: 2023-01-23. Review status: criteria provided, single submitter. Criteria: GeneDx Variant Classification Process June 2021. Collection method: clinical testing. Allele origin: germline. Affected: yes.
Comment: In silico analysis supports that this missense variant has a deleterious effect on protein structure/function; Has not been previously published as pathogenic or benign to our knowledge

Color Diagnostics, LLC DBA Color Health
Classification: Uncertain significance for Hereditary cancer-predisposing syndrome. Last evaluated: 2022-11-16. Review status: criteria provided, single submitter. Criteria: ACMG Guidelines, 2015. Collection method: clinical testing. Allele origin: germline.
Comment: This missense variant replaces cysteine with phenylalanine at codon 907 of the ATM protein. Computational prediction suggests that this variant may not impact protein structure and function (internally defined REVEL score threshold <= 0.5, PMID: 27666373). To our knowledge, functional studies have not been reported for this variant. In a large international case-control study, this variant was reported in 5/60461 breast cancer cases and 1/53460 controls (PMID: 33471991). This variant has been identified in 7/282792 chromosomes in the general population by the Genome Aggregation Database (gnomAD). The available evidence is insufficient to determine the role of this variant in disease conclusively. Therefore, this variant is classified as a Variant of Uncertain Significance.

Fulgent Genetics
Classification: Uncertain significance for Familial cancer of breast; Ataxia-telangiectasia syndrome. Last evaluated: 2018-10-31. Review status: criteria provided, single submitter. Criteria: ACMG Guidelines, 2015. Collection method: clinical testing. Allele origin: unknown.

Natera, Inc.
Classification: Uncertain significance for Ataxia-telangiectasia. Last evaluated: 2020-12-23. Review status: no assertion criteria provided. Collection method: clinical testing. Allele origin: germline. Not counted in ClinVar's aggregate classification.

Literature cited by the submitters: PubMed 33471991 (cited by 3 submitters).

NM_000051.4(ATM):c.2720G>T (p.Cys907Phe)

Gene: ATM (ATM serine/threonine kinase; plus strand). Cytogenetic location: 11q22.3.
Variant type: single nucleotide variant.
Coding change: c.2720G>T on transcript NM_000051.4 (MANE Select); coding-DNA position 2720, G replaced by T.
Protein change: p.Cys907Phe; replaces cysteine 907 with phenylalanine.
Molecular consequence: missense variant.
Genome position (GRCh38, 1-based): chr11:108,268,491, G>T. VCF-style: chr11-108268491-G-T. GRCh37 (hg19) VCF-style: chr11-108139218-G-T.
Other names: c.2720G>T, p.Cys907Phe (NM_001351834.2); short protein forms C907F.
Identifiers: ClinVar variation 185390 (VCV000185390.30), dbSNP rs775371838, ClinGen allele CA191793.